The following is an entry in ClinVar:

ClinVar aggregate classification (germline): Benign/Likely benign. Review status: criteria provided, multiple submitters, no conflicts (2 of 4 stars). 10 submissions from 10 submitters: Benign (1); Likely benign (8). 1 of the submissions does not count toward it. Last evaluated 2026-01-20.

Conditions:
Hereditary nonpolyposis colorectal neoplasms. Identifiers: MedGen C0009405, MeSH D003123.
Hereditary cancer-predisposing syndrome. Also called: Neoplastic Syndromes, Hereditary; Hereditary Cancer Syndrome; Tumor predisposition; Hereditary neoplastic syndrome. Identifiers: Orphanet 140162, MedGen C0027672, MeSH D009386, MONDO:0015356.
Lynch syndrome. Identifiers: Orphanet 144, MedGen C4552100, MONDO:0005835. Disease mechanism: loss of function.
Lynch syndrome 4 (LYNCH4). Also called: Colorectal cancer, hereditary nonpolyposis, type 4; Hereditary non-polyposis colorectal cancer, type 4. Identifiers: Orphanet 144, MedGen C1838333, MONDO:0013699, OMIM 614337. Disease mechanism: loss of function.

Allele frequency attached by ClinVar (database versions not stated): gnomAD below 0.00001 and 0.00002; gnomAD exomes 0.00002 and 0.00006; TOPMed 0.00002; ExAC 0.00006.

Submissions (10):

Labcorp Genetics (formerly Invitae), Labcorp
Classification: Likely benign for Hereditary nonpolyposis colorectal neoplasms. Last evaluated: 2026-01-20. Review status: criteria provided, single submitter. Criteria: Invitae Variant Classification Sherloc (09022015). Collection method: clinical testing. Allele origin: germline.

Center for Genomic Medicine, Rigshospitalet, Copenhagen University Hospital
Classification: Likely benign. Last evaluated: 2025-03-04. Review status: criteria provided, single submitter. Criteria: ACMG Guidelines, 2015. Collection method: clinical testing. Allele origin: germline.

All of Us Research Program, National Institutes of Health
Classification: Likely benign for Lynch syndrome. Last evaluated: 2023-07-19. Review status: criteria provided, single submitter. Criteria: ACMG Guidelines, 2015. Collection method: clinical testing. Allele origin: germline. Inheritance: Autosomal dominant inheritance. Observed: 1 variant allele, 1 heterozygote.
Comment: This study involves interpretation of variants in research participants for the purpose of population health screening. Participant phenotype was not available at the time of variant classification. Additional details can be found in publication PMID: 35346344, PMCID: PMC8962531

Myriad Genetics, Inc.
Classification: Benign for Lynch syndrome 4. Last evaluated: 2023-04-04. Review status: criteria provided, single submitter. Criteria: Myriad Autosomal Dominant, Autosomal Recessive and X-Linked Classification Criteria (2023). Collection method: clinical testing. Allele origin: unknown.
Comment: This variant is considered benign. This variant is a silent/synonymous amino acid change and it is not expected to impact splicing.

CeGaT Center for Human Genetics Tuebingen
Classification: Likely benign. Last evaluated: 2022-07-01. Review status: criteria provided, single submitter. Criteria: CeGaT Center For Human Genetics Tuebingen Variant Classification Criteria Version 2. Collection method: clinical testing. Allele origin: germline. Affected: yes. Observed: 1 variant allele.
Comment: PMS2: BP4, BP7

GeneDx
Classification: Likely benign. Last evaluated: 2021-03-09. Review status: criteria provided, single submitter. Criteria: GeneDx Variant Classification Process June 2021. Collection method: clinical testing. Allele origin: germline. Affected: yes.

Genetic Services Laboratory, University of Chicago
Classification: Likely benign. Last evaluated: 2019-03-13. Review status: criteria provided, single submitter. Criteria: ACMG Guidelines, 2015. Collection method: clinical testing. Allele origin: germline. Affected: no.

Color Diagnostics, LLC DBA Color Health
Classification: Likely benign for Hereditary cancer-predisposing syndrome. Last evaluated: 2018-03-13. Review status: criteria provided, single submitter. Criteria: ACMG Guidelines, 2015. Collection method: clinical testing. Allele origin: germline.

Ambry Genetics
Classification: Likely benign for Hereditary cancer-predisposing syndrome. Last evaluated: 2015-03-27. Review status: criteria provided, single submitter. Criteria: Ambry Variant Classification Scheme 2023. Collection method: clinical testing. Allele origin: germline.

Counsyl
Classification: Likely benign for Lynch syndrome 4. Last evaluated: 2016-10-31. Review status: no assertion criteria provided. Collection method: clinical testing. Allele origin: unknown. Not counted in ClinVar's aggregate classification.

NM_000535.7(PMS2):c.789G>A (p.Leu263=)

Gene: PMS2 (PMS1 homolog 2, mismatch repair system component; minus strand). Cytogenetic location: 7p22.1.
Variant type: single nucleotide variant.
Coding change: c.789G>A on transcript NM_000535.7 (MANE Select); coding-DNA position 789, G replaced by A.
Protein change: p.Leu263=; no amino-acid change (leucine 263 retained).
Molecular consequence: synonymous variant. On other transcripts: 5 prime UTR variant (2), non-coding transcript variant (1).
Genome position (GRCh38, 1-based): chr7:5,997,340, C>T on the plus strand (G>A on the coding strand, the complement: PMS2 is on the minus strand). VCF-style: chr7-5997340-C-T. GRCh37 (hg19) VCF-style: chr7-6036971-C-T.
Other names: c.384G>A, p.Leu128= (NM_001322003.2, NM_001322004.2, NM_001322005.2 and 2 more transcripts); c.789G>A, p.Leu263= (NM_001322006.2, NM_001322014.2); c.471G>A, p.Leu157= (NM_001322007.2, NM_001322008.2); c.-145G>A (NM_001322011.2, NM_001322012.2); c.216G>A, p.Leu72= (NM_001322013.2); c.480G>A, p.Leu160= (NM_001322015.2).
Identifiers: ClinVar variation 231124 (VCV000231124.53), dbSNP rs755394319, ClinGen allele CA051635.